The following is an entry in ClinVar:

ClinVar aggregate classification (germline): Uncertain significance. Review status: criteria provided, multiple submitters, no conflicts (2 of 4 stars). 2 submissions from 2 submitters: Uncertain significance (2). Last evaluated 2026-01-12.

Conditions:
Inborn genetic diseases. Identifiers: MedGen C0950123, MeSH D030342.

gnomAD v4.1: 2 of 1,606,846 alleles (0.00012%); highest among the groups gnomAD compares: East Asian, 0.0022%; no homozygotes.

Submissions (2):

Labcorp Genetics (formerly Invitae), Labcorp
Classification: Uncertain significance. Last evaluated: 2026-01-12. Review status: criteria provided, single submitter. Criteria: Invitae Variant Classification Sherloc (09022015). Collection method: clinical testing. Allele origin: germline.
Comment: This sequence change replaces methionine, which is neutral and non-polar, with valine, which is neutral and non-polar, at codon 214 of the KCNQ4 protein (p.Met214Val). This variant is present in population databases (no rsID available, gnomAD 0.0009%). This variant has not been reported in the literature in individuals affected with KCNQ4-related conditions. ClinVar contains an entry for this variant (Variation ID: 3287742). Invitae Evidence Modeling of protein sequence and biophysical properties (such as structural, functional, and spatial information, amino acid conservation, physicochemical variation, residue mobility, and thermodynamic stability) has been performed for this missense variant. However, the output from this modeling did not meet the statistical confidence thresholds required to predict the impact of this variant on KCNQ4 protein function. In summary, the available evidence is currently insufficient to determine the role of this variant in disease. Therefore, it has been classified as a Variant of Uncertain Significance.

Ambry Genetics
Classification: Uncertain significance for Inborn genetic diseases. Last evaluated: 2024-04-09. Review status: criteria provided, single submitter. Criteria: Ambry Variant Classification Scheme 2023. Collection method: clinical testing. Allele origin: germline.

NM_004700.4(KCNQ4):c.640A>G (p.Met214Val)

Gene: KCNQ4 (potassium voltage-gated channel subfamily Q member 4; plus strand). Cytogenetic location: 1p34.2.
Variant type: single nucleotide variant.
Coding change: c.640A>G on transcript NM_004700.4 (MANE Select); coding-DNA position 640, A replaced by G.
Protein change: p.Met214Val; replaces methionine 214 with valine.
Molecular consequence: missense variant.
Genome position (GRCh38, 1-based): chr1:40,818,612, A>G. VCF-style: chr1-40818612-A-G. GRCh37 (hg19) VCF-style: chr1-41284284-A-G.
Other names: c.640A>G, p.Met214Val (NM_172163.3); short protein forms M214V.
Identifiers: ClinVar variation 3287742 (VCV003287742.2).